The following is an entry in ClinVar:

ClinVar aggregate classification (germline): Pathogenic (1 of 4 stars; one submission).

Conditions:
Glycogen storage disease, type V (GSD5). Also called: McArdle type glycogen storage disease; MCARDLE DISEASE; MUSCLE GLYCOGEN PHOSPHORYLASE DEFICIENCY; MYOPHOSPHORYLASE DEFICIENCY; PYGM DEFICIENCY. Identifiers: Orphanet 368, MedGen C0017924, MONDO:0009293, OMIM 232600.

Submission:

Labcorp Genetics (formerly Invitae), Labcorp
Classification: Pathogenic for Glycogen storage disease, type V. Last evaluated: 2023-06-30. Review status: criteria provided, single submitter. Criteria: Invitae Variant Classification Sherloc (09022015). Collection method: clinical testing. Allele origin: germline.
Comment: For these reasons, this variant has been classified as Pathogenic. This variant has not been reported in the literature in individuals affected with PYGM-related conditions. This variant is not present in population databases (gnomAD no frequency). This sequence change creates a premature translational stop signal (p.Gly133Alafs*162) in the PYGM gene. It is expected to result in an absent or disrupted protein product. Loss-of-function variants in PYGM are known to be pathogenic (PMID: 8316268, 16786513).

Literature cited by the submitters: PubMed 8316268; PubMed 16786513.

NM_005609.4(PYGM):c.398del (p.Gly133fs)

Gene: PYGM (glycogen phosphorylase, muscle associated; minus strand). Cytogenetic location: 11q13.1.
Variant type: Deletion.
Coding change: c.398del on transcript NM_005609.4 (MANE Select); coding-DNA position 398, one base deleted (G; older notation c.398delG).
Protein change: p.Gly133fs; shifts the reading frame from glycine 133.
Molecular consequence: frameshift variant. On other transcripts: intron variant (1).
Genome position (GRCh38, 1-based): chr11:64,758,463, C deleted on the plus strand (G on the coding strand, the reverse complement: PYGM is on the minus strand); the first of 3 consecutive C bases (chr11:64,758,463-64,758,465); deleting any one gives the same sequence. VCF-style (leftmost placement, unchanged base first): chr11-64758462-GC-G. GRCh37 (hg19) VCF-style: chr11-64525934-GC-G.
Other names: c.244-197del (NM_001164716.1); short protein forms G133fs.
Identifiers: ClinVar variation 2733592 (VCV002733592.3), dbSNP rs2496670866, ClinGen allele CA2697548649.